The following is an entry in ClinVar:

NM_022124.6(CDH23):c.6840del (p.Val2281fs)

Gene: CDH23 (cadherin related 23; plus strand). Cytogenetic location: 10q22.1.
Variant type: Deletion.
Coding change: c.6840del on transcript NM_022124.6 (MANE Select); coding-DNA position 6840, one base deleted (T; older notation c.6840delT).
Protein change: p.Val2281fs; shifts the reading frame from valine 2281.
Molecular consequence: frameshift variant.
Genome position (GRCh38, 1-based): chr10:71,798,364, T deleted. VCF-style (leftmost placement, unchanged base first): chr10-71798363-CT-C. GRCh37 (hg19) VCF-style: chr10-73558120-CT-C.
Other names: c.120del, p.Val41fs (NM_001171933.1, NM_001171934.1); short protein forms V2281fs, V41fs.
Identifiers: ClinVar variation 1976405 (VCV001976405.5), dbSNP rs2494399687, ClinGen allele CA2580081836.
Genomic context (GRCh38, chr10:71,798,363, plus strand): 5'-CAGCCACACTAGTGTCCTTCCCCTCTCCCTCACTCCCTGCCTCCACCACAGCCAAGCTGA[CT>C]GTCAACGTCCTGGACGTCAATGACAATACGCCCCAGTTCAAGCCCTTTGGGATCACCTAC-3'

ClinVar aggregate classification (germline): Pathogenic (1 of 4 stars; one submission).

Submission:

Labcorp Genetics (formerly Invitae), Labcorp
Classification: Pathogenic. Last evaluated: 2022-02-13. Review status: criteria provided, single submitter. Criteria: Invitae Variant Classification Sherloc (09022015). Collection method: clinical testing. Allele origin: germline.
Comment: This variant has not been reported in the literature in individuals affected with CDH23-related conditions. For these reasons, this variant has been classified as Pathogenic. This variant is not present in population databases (gnomAD no frequency). This sequence change creates a premature translational stop signal (p.Val2281Serfs*92) in the CDH23 gene. It is expected to result in an absent or disrupted protein product. Loss-of-function variants in CDH23 are known to be pathogenic (PMID: 11138009, 21940737).

Literature cited by the submitters: PubMed 11138009; PubMed 21940737.